The following is an entry in ClinVar:

NM_007332.3(TRPA1):c.2401A>T (p.Met801Leu)

Genes: MSC-AS1 (MSC antisense RNA 1; plus strand), TRPA1 (transient receptor potential cation channel subfamily A member 1; minus strand). Cytogenetic location: 8q21.11.
Variant type: single nucleotide variant.
Coding change: c.2401A>T on transcript NM_007332.3 (MANE Select); coding-DNA position 2401, A replaced by T.
Protein change: p.Met801Leu; replaces methionine 801 with leucine.
Molecular consequence: missense variant.
Genome position (GRCh38, 1-based): chr8:72,036,442, T>A on the plus strand (A>T on the coding strand, the complement: TRPA1 is on the minus strand). VCF-style: chr8-72036442-T-A. GRCh37 (hg19) VCF-style: chr8-72948677-T-A.
Other names: short protein forms M801L.
Identifiers: ClinVar variation 4084118 (VCV004084118.8).

ClinVar aggregate classification (germline): Likely benign (1 of 4 stars; one submission).

gnomAD v4.1: 2 of 1,613,484 alleles (0.00012%); highest among the groups gnomAD compares: Non-Finnish European, 0.00017%; no homozygotes.

Submission:

CeGaT Center for Human Genetics Tuebingen
Classification: Likely benign. Last evaluated: 2025-08-01. Review status: criteria provided, single submitter. Criteria: CeGaT Center For Human Genetics Tuebingen Variant Classification Criteria Version 2. Collection method: clinical testing. Allele origin: germline. Affected: yes. Observed: 1 variant allele.
Comment: TRPA1: BP4